The following is an entry in ClinVar:

NM_012448.4(STAT5B):c.1100C>A (p.Pro367His)

Gene: STAT5B (signal transducer and activator of transcription 5B; minus strand). Cytogenetic location: 17q21.2.
Variant type: single nucleotide variant.
Coding change: c.1100C>A on transcript NM_012448.4 (MANE Select); coding-DNA position 1100, C replaced by A.
Protein change: p.Pro367His; replaces proline 367 with histidine.
Molecular consequence: missense variant.
Genome position (GRCh38, 1-based): chr17:42,218,220, G>T on the plus strand (C>A on the coding strand, the complement: STAT5B is on the minus strand). VCF-style: chr17-42218220-G-T. GRCh37 (hg19) VCF-style: chr17-40370238-G-T.
Other names: short protein forms P367H.
Identifiers: ClinVar variation 1387319 (VCV001387319.6), dbSNP rs2080190307, ClinGen allele CA399584977.
Genomic context (GRCh38, chr17:42,218,220, plus strand): 5'-TTCTCGTTCTTGAGCAGAGACTTGGCCTGCTGCTCACTGATGATGGTGGCCTTCACCTGG[G>T]GGGGGTTCATGTGCACGTTCAGCTTCCCGCCCACCAGCAGGCGCACAGTGGCTGCAAACT-3'
Protein context (NP_036580.2, residues 357-377): GGKLNVHMNP[Pro367His]QVKATIISEQ

ClinVar aggregate classification (germline): Uncertain significance (1 of 4 stars; one submission).

Conditions:
Growth hormone insensitivity with immune dysregulation 1, autosomal recessive. Also called: GROWTH HORMONE INSENSITIVITY SYNDROME WITH IMMUNE DYSREGULATION 1, AUTOSOMAL RECESSIVE; Laron syndrome with immunodeficiency; GROWTH HORMONE INSENSITIVITY DUE TO POSTRECEPTOR DEFECT; LARON SYNDROME DUE TO POSTRECEPTOR DEFECT. Identifiers: Orphanet 220465, MedGen C5435698, MONDO:0100211, OMIM 245590.

Submission:

Labcorp Genetics (formerly Invitae), Labcorp
Classification: Uncertain significance for Growth hormone insensitivity with immune dysregulation 1, autosomal recessive. Last evaluated: 2021-10-15. Review status: criteria provided, single submitter. Criteria: Invitae Variant Classification Sherloc (09022015). Collection method: clinical testing. Allele origin: germline.
Comment: In summary, the available evidence is currently insufficient to determine the role of this variant in disease. Therefore, it has been classified as a Variant of Uncertain Significance. Algorithms developed to predict the effect of missense changes on protein structure and function are either unavailable or do not agree on the potential impact of this missense change (SIFT: "Deleterious"; PolyPhen-2: "Possibly Damaging"; Align-GVGD: "Class C0"). This variant has not been reported in the literature in individuals affected with STAT5B-related conditions. This variant is not present in population databases (ExAC no frequency). This sequence change replaces proline with histidine at codon 367 of the STAT5B protein (p.Pro367His). The proline residue is highly conserved and there is a moderate physicochemical difference between proline and histidine.